The following is an entry in ClinVar:

NM_152618.3(BBS12):c.1077T>C (p.Ile359=)

Gene: BBS12 (Bardet-Biedl syndrome 12; plus strand). Cytogenetic location: 4q27.
Variant type: single nucleotide variant.
Coding change: c.1077T>C on transcript NM_152618.3 (MANE Select); coding-DNA position 1077, T replaced by C.
Protein change: p.Ile359=; no amino-acid change (isoleucine 359 retained).
Molecular consequence: synonymous variant.
Genome position (GRCh38, 1-based): chr4:122,742,969, T>C. VCF-style: chr4-122742969-T-C. GRCh37 (hg19) VCF-style: chr4-123664124-T-C.
Other names: c.1077T>C, p.Ile359= (NM_001178007.2).
Identifiers: ClinVar variation 4982310 (VCV004982310.1).
Genomic context (GRCh38, chr4:122,742,969, plus strand): 5'-AGTATCTAATAATCCTGTGATCAAGGAATTGCAGAATCAGCCTGTGCGAATAGTTCTCAT[T>C]GAGGGTGACCTCACAGAGAATTACCGCCACCTGGGATTTAATAAGTCTGCAAATATTAAA-3'
Protein context (NP_689831.2, residues 349-369): LQNQPVRIVL[Ile359=]EGDLTENYRH

ClinVar aggregate classification (germline): Likely benign (1 of 4 stars; one submission).

Conditions:
BBS12-related disorder. Also called: BBS12-related condition.

Submission:

PreventionGenetics, part of Exact Sciences
Classification: Likely benign for BBS12-related condition. Last evaluated: 2025-11-26. Review status: criteria provided, single submitter. Criteria: ACMG Guidelines, 2015. Collection method: clinical testing. Allele origin: germline.
Comment: This variant is classified as likely benign based on ACMG/AMP sequence variant interpretation guidelines (Richards et al. 2015 PMID: 25741868, with internal and published modifications).